The following is an entry in ClinVar:

ClinVar aggregate classification (germline): Uncertain significance (1 of 4 stars; one submission).

Conditions:
Amyotrophic lateral sclerosis type 5 (ALS5). Also called: AMYOTROPHIC LATERAL SCLEROSIS 5, JUVENILE. Identifiers: Orphanet 300605, MedGen C1865864, MONDO:0011196, OMIM 602099.
Charcot-Marie-Tooth disease axonal type 2X. Also called: CHARCOT-MARIE-TOOTH DISEASE, AXONAL, AUTOSOMAL RECESSIVE, TYPE 2X; CHARCOT-MARIE-TOOTH NEUROPATHY, TYPE 2X. Identifiers: Orphanet 466775, MedGen C5569024, MONDO:0014726, OMIM 616668.

gnomAD v4.1: 1 of 1,614,104 alleles (0.000062%); no homozygotes.

Submission:

Kariminejad - Najmabadi Pathology & Genetics Center
Classification: Uncertain significance for Amyotrophic lateral sclerosis type 5; Charcot-Marie-Tooth disease axonal type 2X. Last evaluated: 2024-01-31. Review status: criteria provided, single submitter. Criteria: ACMG Guidelines, 2015. Collection method: clinical testing. Allele origin: germline. Inheritance: Autosomal recessive inheritance. Affected: yes.
Comment: PM2

NM_025137.4(SPG11):c.6362T>C (p.Leu2121Pro)

Gene: SPG11 (SPG11 vesicle trafficking associated, spatacsin; minus strand). Cytogenetic location: 15q21.1.
Variant type: single nucleotide variant.
Coding change: c.6362T>C on transcript NM_025137.4 (MANE Select); coding-DNA position 6362, T replaced by C.
Protein change: p.Leu2121Pro; replaces leucine 2121 with proline.
Molecular consequence: missense variant.
Genome position (GRCh38, 1-based): chr15:44,570,640, A>G on the plus strand (T>C on the coding strand, the complement: SPG11 is on the minus strand). VCF-style: chr15-44570640-A-G. GRCh37 (hg19) VCF-style: chr15-44862838-A-G.
Other names: c.6023T>C, p.Leu2008Pro (NM_001160227.2); c.6218T>C, p.Leu2073Pro (NM_001411132.1); short protein forms L2008P, L2073P, L2121P.
Identifiers: ClinVar variation 3897017 (VCV003897017.1).